The following is an entry in ClinVar:

ClinVar aggregate classification (germline): Uncertain significance (1 of 4 stars; one submission).

Allele frequency attached by ClinVar (database versions not stated): ESP Exome Variant Server 0.00015; gnomAD exomes 0.00021 and 0.00026; TOPMed 0.00023; ExAC 0.00024; gnomAD 0.00027.
gnomAD v4.1: 351 of 1,611,446 alleles (0.022%); highest among the groups gnomAD compares: Middle Eastern, 0.033%; 1 homozygote.

Submission:

Labcorp Genetics (formerly Invitae), Labcorp
Classification: Uncertain significance. Last evaluated: 2025-12-03. Review status: criteria provided, single submitter. Criteria: Invitae Variant Classification Sherloc (09022015). Collection method: clinical testing. Allele origin: germline.
Comment: This sequence change replaces arginine, which is basic and polar, with cysteine, which is neutral and slightly polar, at codon 175 of the SULF1 protein (p.Arg175Cys). This variant is present in population databases (rs200127043, gnomAD 0.05%). This variant has not been reported in the literature in individuals affected with SULF1-related conditions. ClinVar contains an entry for this variant (Variation ID: 1442857). An algorithm developed to predict the effect of missense changes on protein structure and function (PolyPhen-2) suggests that this variant is likely to be disruptive. In summary, the available evidence is currently insufficient to determine the role of this variant in disease. Therefore, it has been classified as a Variant of Uncertain Significance.

NM_001128205.2(SULF1):c.523C>T (p.Arg175Cys)

Gene: SULF1 (sulfatase 1; plus strand). Cytogenetic location: 8q13.2.
Variant type: single nucleotide variant.
Coding change: c.523C>T on transcript NM_001128205.2 (MANE Select); coding-DNA position 523, C replaced by T.
Protein change: p.Arg175Cys; replaces arginine 175 with cysteine.
Molecular consequence: missense variant. On other transcripts: non-coding transcript variant (2).
Genome position (GRCh38, 1-based): chr8:69,586,467, C>T. VCF-style: chr8-69586467-C-T. GRCh37 (hg19) VCF-style: chr8-70498702-C-T.
Other names: c.523C>T, p.Arg175Cys (NM_001128204.2, NM_001128206.2, NM_015170.3); short protein forms R175C.
Identifiers: ClinVar variation 1442857 (VCV001442857.6), dbSNP rs200127043, ClinGen allele CA4775598.
Genomic context (GRCh38, chr8:69,586,467, plus strand): 5'-GGGTGGCGAGAATGGCTTGGATTAATCAAGAATTCTCGCTTCTATAATTACACTGTTTGT[C>T]GCAATGGCATCAAAGAAAAGCATGGATTTGATTATGCAAAGGTAATTTTCAGGCACTTTT-3'
Protein context (NP_001121677.1, residues 165-185): NSRFYNYTVC[Arg175Cys]NGIKEKHGFD